The following is an entry in ClinVar:

NM_007294.4(BRCA1):c.2969T>C (p.Val990Ala)

Gene: BRCA1 (BRCA1 DNA repair associated; minus strand). Cytogenetic location: 17q21.31.
Variant type: single nucleotide variant.
Coding change: c.2969T>C on transcript NM_007294.4 (MANE Select); coding-DNA position 2969, T replaced by C.
Protein change: p.Val990Ala; replaces valine 990 with alanine.
Molecular consequence: missense variant. On other transcripts: intron variant (137).
Genome position (GRCh38, 1-based): chr17:43,092,562, A>G on the plus strand (T>C on the coding strand, the complement: BRCA1 is on the minus strand). VCF-style: chr17-43092562-A-G. GRCh37 (hg19) VCF-style: chr17-41244579-A-G.
Other names: c.2756T>C, p.Val919Ala (NM_001407571.1, NM_001407853.1, NM_001407894.1 and 9 more transcripts); c.2969T>C, p.Val990Ala (NM_001407581.1, NM_001407582.1, NM_001407583.1 and 30 more transcripts); c.2966T>C, p.Val989Ala (NM_001407587.1, NM_001407590.1, NM_001407591.1 and 22 more transcripts); c.2960T>C, p.Val987Ala (NM_001407646.1, NM_001407647.1); c.2846T>C, p.Val949Ala (NM_001407648.1, NM_001407664.1, NM_001407665.1 and 19 more transcripts); c.2843T>C, p.Val948Ala (NM_001407649.1, NM_001407670.1, NM_001407671.1 and 11 more transcripts); c.2891T>C, p.Val964Ala (NM_001407653.1, NM_001407654.1, NM_001407655.1 and 4 more transcripts); c.2888T>C, p.Val963Ala (NM_001407659.1, NM_001407660.1, NM_001407661.1 and 1 more transcripts); and 41 more; short protein forms V990A, V943A, V878A, V919A, V920A, V942A, V963A, V989A.
Identifiers: ClinVar variation 233926 (VCV000233926.19), dbSNP rs760588785, ClinGen allele CA058187.
Genomic context (GRCh38, chr17:43,092,562, plus strand): 5'-GGTGACATTGAATGTTCCTCAAAGTTTTCCTCTAGCAGATTTTTCTTACATTTAGTTTTA[A>G]CAAATGACTTGATGGGAAAAAGTGGTGGTATACGATATGGGTTTTGTAAAAGTCCATGTT-3'
Protein context (NP_009225.1, residues 980-1000): IPPLFPIKSF[Val990Ala]KTKCKKNLLE

ClinVar aggregate classification (germline): Conflicting classifications of pathogenicity. Review status: criteria provided, conflicting classifications (1 of 4 stars). 4 submissions from 4 submitters: Uncertain significance (3); Likely benign (1). Last evaluated 2025-09-14.

Conditions:
Hereditary breast ovarian cancer syndrome. Also called: Hereditary breast and ovarian cancer syndrome; BRCA1- and BRCA2-Associated Hereditary Breast and Ovarian Cancer; Breast and ovarian cancer; Hereditary breast and/or ovarian cancer syndrome; Hereditary breast and ovarian cancer; Hereditary breast and ovarian cancer syndrome (HBOC). Identifiers: Orphanet 145, MedGen C0677776, MeSH D061325, MONDO:0003582. Disease mechanism: loss of function.
Hereditary cancer-predisposing syndrome. Also called: Neoplastic Syndromes, Hereditary; Tumor predisposition; Hereditary Cancer Syndrome; Hereditary neoplastic syndrome. Identifiers: Orphanet 140162, MedGen C0027672, MeSH D009386, MONDO:0015356.

Allele frequency attached by ClinVar (database versions not stated): gnomAD exomes below 0.00001 and 0.00001; ExAC 0.00002.

Submissions (4):

Labcorp Genetics (formerly Invitae), Labcorp
Classification: Uncertain significance for Hereditary breast ovarian cancer syndrome. Last evaluated: 2025-09-14. Review status: criteria provided, single submitter. Criteria: Invitae Variant Classification Sherloc (09022015). Collection method: clinical testing. Allele origin: germline.
Comment: This sequence change replaces valine, which is neutral and non-polar, with alanine, which is neutral and non-polar, at codon 990 of the BRCA1 protein (p.Val990Ala). This variant is present in population databases (rs760588785, gnomAD 0.02%). This missense change has been observed in individual(s) with breast and/or ovarian cancer (PMID: 27907908, 30702160, 31825140). ClinVar contains an entry for this variant (Variation ID: 233926). Invitae Evidence Modeling of protein sequence and biophysical properties (such as structural, functional, and spatial information, amino acid conservation, physicochemical variation, residue mobility, and thermodynamic stability) indicates that this missense variant is not expected to disrupt BRCA1 protein function with a negative predictive value of 80%. In summary, the available evidence is currently insufficient to determine the role of this variant in disease. Therefore, it has been classified as a Variant of Uncertain Significance.

Ambry Genetics
Classification: Uncertain significance for Hereditary cancer-predisposing syndrome. Last evaluated: 2023-11-20. Review status: criteria provided, single submitter. Criteria: Ambry Variant Classification Scheme 2023. Collection method: clinical testing. Allele origin: germline.
Comment: The p.V990A variant (also known as c.2969T>C), located in coding exon 9 of the BRCA1 gene, results from a T to C substitution at nucleotide position 2969. The valine at codon 990 is replaced by alanine, an amino acid with similar properties. This alteration was identified in multiple individuals diagnosed with breast and/or ovarian cancer (Chao A et al. Oncotarget, 2016 Dec;7:85529-85541; Wu X et al. Int J Gynecol Cancer, 2017 Oct;27:1650-1657; Bhaskaran SP et al. Int J Cancer, 2019 08;145:962-973). This amino acid position is not well conserved in available vertebrate species. In addition, the in silico prediction for this alteration is inconclusive. Since supporting evidence is limited at this time, the clinical significance of this alteration remains unclear.

University of Washington Department of Laboratory Medicine, University of Washington
Classification: Likely benign for Hereditary cancer-predisposing syndrome. Last evaluated: 2023-03-23. Review status: criteria provided, single submitter. Criteria: Dines et al. (Genet Med. 2020). Collection method: curation. Allele origin: germline.
Comment: Missense variant in a coldspot region where missense variants are very unlikely to be pathogenic (PMID:31911673).

BRCA1 coldspot (exon 11 using historical exon numbering). Reclassification based on statistical prior probability

GeneDx
Classification: Uncertain significance. Last evaluated: 2021-03-02. Review status: criteria provided, single submitter. Criteria: GeneDx Variant Classification Process June 2021. Collection method: clinical testing. Allele origin: germline. Affected: yes.
Comment: Not observed at a significant frequency in large population cohorts (Lek 2016); In silico analysis supports that this missense variant has a deleterious effect on protein structure/function; Also known as 3088T>C; Observed in individuals with ovarian cancer (Chao 2016, Wu 2017); This variant is associated with the following publications: (PMID: 27907908, 31825140, 30702160, 28692638)

Literature cited by the submitters: PubMed 27907908 (cited by Labcorp Genetics (formerly Invitae), Labcorp and Ambry Genetics); PubMed 30702160 (cited by Labcorp Genetics (formerly Invitae), Labcorp and Ambry Genetics); PubMed 31825140 (cited by Labcorp Genetics (formerly Invitae), Labcorp); PubMed 28692638 (cited by Ambry Genetics).